The following is an entry in ClinVar:

NM_000275.3(OCA2):c.1253C>T (p.Ser418Phe)

Gene: OCA2 (OCA2 melanosomal transmembrane protein; minus strand). Cytogenetic location: 15q13.1.
Variant type: single nucleotide variant.
Coding change: c.1253C>T on transcript NM_000275.3 (MANE Select); coding-DNA position 1253, C replaced by T.
Protein change: p.Ser418Phe; replaces serine 418 with phenylalanine.
Molecular consequence: missense variant.
Genome position (GRCh38, 1-based): chr15:27,985,175, G>A on the plus strand (C>T on the coding strand, the complement: OCA2 is on the minus strand). VCF-style: chr15-27985175-G-A. GRCh37 (hg19) VCF-style: chr15-28230321-G-A.
Other names: c.1181C>T, p.Ser394Phe (NM_001300984.2); short protein forms S394F, S418F.
Identifiers: ClinVar variation 1803497 (VCV001803497.1), dbSNP rs1022437524, ClinGen allele CA391360709.

ClinVar aggregate classification (germline): Uncertain significance (1 of 4 stars; one submission).

Submission:

GeneDx
Classification: Uncertain significance. Last evaluated: 2022-05-15. Review status: criteria provided, single submitter. Criteria: GeneDx Variant Classification Process June 2021. Collection method: clinical testing. Allele origin: germline. Affected: yes.
Comment: Not observed at significant frequency in large population cohorts (gnomAD); In silico analysis supports that this missense variant has a deleterious effect on protein structure/function; Has not been previously published as pathogenic or benign to our knowledge